The following is an entry in ClinVar:

ClinVar aggregate classification (germline): Uncertain significance. Review status: criteria provided, multiple submitters, no conflicts (2 of 4 stars). 2 submissions from 2 submitters: Uncertain significance (2). Last evaluated 2024-07-08.

Allele frequency attached by ClinVar (database versions not stated): gnomAD exomes 0.00001.

Submissions (2):

Blueprint Genetics
Classification: Uncertain significance. Last evaluated: 2024-07-08. Review status: criteria provided, single submitter. Criteria: ACMG Guidelines, 2015. Collection method: clinical testing. Allele origin: germline.

Labcorp Genetics (formerly Invitae), Labcorp
Classification: Uncertain significance. Last evaluated: 2024-02-24. Review status: criteria provided, single submitter. Criteria: Invitae Variant Classification Sherloc (09022015). Collection method: clinical testing. Allele origin: germline.
Comment: This sequence change creates a premature translational stop signal (p.Gln125*) in the SPP2 gene. It is expected to result in an absent or disrupted protein product. However, the current clinical and genetic evidence is not sufficient to establish whether loss-of-function variants in SPP2 cause disease. This variant is present in population databases (no rsID available, gnomAD 0.003%). This variant has not been reported in the literature in individuals affected with SPP2-related conditions. ClinVar contains an entry for this variant (Variation ID: 2063823). In summary, the available evidence is currently insufficient to determine the role of this variant in disease. Therefore, it has been classified as a Variant of Uncertain Significance.

NM_006944.3(SPP2):c.373C>T (p.Gln125Ter)

Gene: SPP2 (secreted phosphoprotein 2; plus strand). Cytogenetic location: 2q37.1.
Variant type: single nucleotide variant.
Coding change: c.373C>T on transcript NM_006944.3 (MANE Select); coding-DNA position 373, C replaced by T.
Protein change: p.Gln125Ter; replaces glutamine 125 with a stop codon.
Molecular consequence: nonsense.
Genome position (GRCh38, 1-based): chr2:234,060,408, C>T. VCF-style: chr2-234060408-C-T. GRCh37 (hg19) VCF-style: chr2-234969052-C-T.
Other names: short protein forms Q125*.
Identifiers: ClinVar variation 2063823 (VCV002063823.5), dbSNP rs1015197391, ClinGen allele CA67658918.